The following is an entry in ClinVar:

ClinVar aggregate classification (germline): Uncertain significance. Review status: criteria provided, multiple submitters, no conflicts (2 of 4 stars). 2 submissions from 2 submitters: Uncertain significance (2). Last evaluated 2025-02-15.

Conditions:
Inborn genetic diseases. Identifiers: MedGen C0950123, MeSH D030342.
Holoprosencephaly 5 (HPE5). Identifiers: Orphanet 2162, MedGen C1864827, MONDO:0012322, OMIM 609637.

Submissions (2):

Labcorp Genetics (formerly Invitae), Labcorp
Classification: Uncertain significance for Holoprosencephaly 5. Last evaluated: 2025-02-15. Review status: criteria provided, single submitter. Criteria: Invitae Variant Classification Sherloc (09022015). Collection method: clinical testing. Allele origin: germline.
Comment: This sequence change replaces glycine, which is neutral and non-polar, with serine, which is neutral and polar, at codon 499 of the ZIC2 protein (p.Gly499Ser). The frequency data for this variant in the population databases is considered unreliable, as metrics indicate insufficient coverage at this position in the gnomAD database. This variant has not been reported in the literature in individuals affected with ZIC2-related conditions. ClinVar contains an entry for this variant (Variation ID: 3473820). Experimental studies and prediction algorithms are not available or were not evaluated, and the functional significance of this variant is currently unknown. In summary, the available evidence is currently insufficient to determine the role of this variant in disease. Therefore, it has been classified as a Variant of Uncertain Significance.

Ambry Genetics
Classification: Uncertain significance for Inborn genetic diseases. Last evaluated: 2024-08-11. Review status: criteria provided, single submitter. Criteria: Ambry Variant Classification Scheme 2023. Collection method: clinical testing. Allele origin: germline.

NM_007129.5(ZIC2):c.1495G>A (p.Gly499Ser)

Gene: ZIC2 (Zic family zinc finger 2; plus strand). Cytogenetic location: 13q32.3.
Variant type: single nucleotide variant.
Coding change: c.1495G>A on transcript NM_007129.5 (MANE Select); coding-DNA position 1495, G replaced by A.
Protein change: p.Gly499Ser; replaces glycine 499 with serine.
Molecular consequence: missense variant.
Genome position (GRCh38, 1-based): chr13:99,985,578, G>A. VCF-style: chr13-99985578-G-A. GRCh37 (hg19) VCF-style: chr13-100637832-G-A.
Other names: short protein forms G499S.
Identifiers: ClinVar variation 3473820 (VCV003473820.2).